The following is an entry in ClinVar:

ClinVar aggregate classification (germline): Conflicting classifications of pathogenicity. Review status: criteria provided, conflicting classifications (1 of 4 stars). 3 submissions from 3 submitters: Pathogenic (1); Likely pathogenic (1); Uncertain significance (1). Last evaluated 2020-12-16.

Conditions:
NLRP12-related disorder. Also called: NLRP12-related condition; NLRP12-related conditions.
Familial cold autoinflammatory syndrome 2 (FCAS2). Identifiers: Orphanet 247868, MedGen C2673198, MONDO:0012724, OMIM 611762.

Allele frequency attached by ClinVar (database versions not stated): gnomAD below 0.00001 and 0.00001; TOPMed below 0.00001.
gnomAD v4.1: 15 of 1,613,984 alleles (0.00093%); highest among the groups gnomAD compares: South Asian, 0.014%; no homozygotes.

Submissions (3):

ARUP Laboratories, Molecular Genetics and Genomics, ARUP Laboratories
Classification: Uncertain significance for Familial cold autoinflammatory syndrome 2. Last evaluated: 2020-12-16. Review status: criteria provided, single submitter. Criteria: ARUP Molecular Germline Variant Investigation Process 2021. Collection method: clinical testing. Allele origin: germline.
Comment: The NLRP12 c.1952C>A; p.Ser651Ter variant (rs781361326), to our knowledge, is not reported in the medical literature or gene-specific databases. This variant is found on only four chromosomes (4/251382 alleles) in the Genome Aggregation Database. This variant induces an early termination codon and is predicted to result in a truncated protein or mRNA subject to nonsense-mediated decay. While loss-of-function variants in NLRP12 have been reported in individuals affected with autoinflammatory disease or periodic fever syndromes (Hua 2019, Jeru 2008, Kostik 2018, Xia 2016), the mechanism by which such variants cause disease remains uncertain (Tuncer 2014). Due to limited information, the clinical significance of the p.Ser651Ter variant is uncertain at this time. References: Hua Y et al. Phenotypes and genotypes of Chinese adult patients with systemic autoinflammatory diseases. Semin Arthritis Rheum. 2019 Dec;49(3):446-452. Jeru I et al. Mutations in NALP12 cause hereditary periodic fever syndromes. Proc Natl Acad Sci U S A. 2008 Feb 5;105(5):1614-9. Kostik MM et al. Multigene sequencing reveals heterogeneity of NLRP12-related autoinflammatory disorders. Rheumatol Int. 2018 May;38(5):887-893. Tuncer S et al. The multifaceted nature of NLRP12. J Leukoc Biol. 2014 Dec;96(6):991-1000. Xia X et al. Identification of a Novel NLRP12 Nonsense Mutation (Trp408X) in the Extremely Rare Disease FCAS by Exome Sequencing. PLoS One. 2016 Jun 17;11(6):e0156981.

Dubai Health Genomic Medicine Center, Dubai Health
Classification: Pathogenic for Familial cold autoinflammatory syndrome 2. Last evaluated: 2020-10-04. Review status: criteria provided, single submitter. Criteria: ACMG Guidelines, 2015. Collection method: clinical testing. Allele origin: germline. Affected: yes.

Blueprint Genetics
Classification: Likely pathogenic for NLRP12-related disorders. Last evaluated: 2020-01-23. Review status: criteria provided, single submitter. Criteria: ACMG Guidelines, 2015. Collection method: clinical testing. Allele origin: germline. Affected: yes. Observed: 1 variant allele.

NM_144687.4(NLRP12):c.1952C>A (p.Ser651Ter)

Gene: NLRP12 (NLR family pyrin domain containing 12; minus strand). Cytogenetic location: 19q13.42.
Variant type: single nucleotide variant.
Coding change: c.1952C>A on transcript NM_144687.4 (MANE Select); coding-DNA position 1952, C replaced by A.
Protein change: p.Ser651Ter; replaces serine 651 with a stop codon.
Molecular consequence: nonsense.
Genome position (GRCh38, 1-based): chr19:53,809,707, G>T on the plus strand (C>A on the coding strand, the complement: NLRP12 is on the minus strand). VCF-style: chr19-53809707-G-T. GRCh37 (hg19) VCF-style: chr19-54312961-G-T.
Other names: c.1952C>A, p.Ser651Ter (NM_001277126.2, NM_001277129.1); short protein forms S651*.
Identifiers: ClinVar variation 987914 (VCV000987914.11), dbSNP rs781361326, ClinGen allele CA9639309.